The following is an entry in ClinVar:

ClinVar aggregate classification (germline): Uncertain significance (1 of 4 stars; one submission).

Conditions:
Inborn genetic diseases. Identifiers: MedGen C0950123, MeSH D030342.

Submission:

Ambry Genetics
Classification: Uncertain significance for Inborn genetic diseases. Last evaluated: 2024-11-26. Review status: criteria provided, single submitter. Criteria: Ambry Variant Classification Scheme 2023. Collection method: clinical testing. Allele origin: germline.
Comment: The p.P244S variant (also known as c.730C>T), located in coding exon 6 of the DNMT3A gene, results from a C to T substitution at nucleotide position 730. The proline at codon 244 is replaced by serine, an amino acid with similar properties. This amino acid position is conserved. In addition, the in silico prediction for this alteration is inconclusive. Based on the available evidence, the clinical significance of this variant remains unclear.

NM_022552.5(DNMT3A):c.730C>T (p.Pro244Ser)

Gene: DNMT3A (DNA methyltransferase 3 alpha; minus strand). Cytogenetic location: 2p23.3.
Variant type: single nucleotide variant.
Coding change: c.730C>T on transcript NM_022552.5 (MANE Select); coding-DNA position 730, C replaced by T.
Protein change: p.Pro244Ser; replaces proline 244 with serine.
Molecular consequence: missense variant. On other transcripts: non-coding transcript variant (1).
Genome position (GRCh38, 1-based): chr2:25,248,162, G>A on the plus strand (C>T on the coding strand, the complement: DNMT3A is on the minus strand). VCF-style: chr2-25248162-G-A. GRCh37 (hg19) VCF-style: chr2-25471031-G-A.
Other names: c.274C>T, p.Pro92Ser (NM_001320893.1); c.61C>T, p.Pro21Ser (NM_001375819.1); c.163C>T, p.Pro55Ser (NM_153759.3); c.730C>T, p.Pro244Ser (NM_175629.2); short protein forms P92S, P55S, P21S, P244S.
Identifiers: ClinVar variation 3504236 (VCV003504236.1).